The following is an entry in ClinVar:

NM_020911.2(PLXNA4):c.1371+4331A>C

Gene: PLXNA4 (plexin A4; minus strand). Cytogenetic location: 7q32.3.
Variant type: single nucleotide variant.
Coding change: c.1371+4331A>C on transcript NM_020911.2 (MANE Select); 4331 bases into the intron after coding-DNA position 1371, A replaced by C.
Molecular consequence: intron variant. On other transcripts: missense variant (1).
Genome position (GRCh38, 1-based): chr7:132,484,961, T>G on the plus strand (A>C on the coding strand, the complement: PLXNA4 is on the minus strand). VCF-style: chr7-132484961-T-G. GRCh37 (hg19) VCF-style: chr7-132169720-T-G.
Other names: c.1424A>C, p.Glu475Ala (NM_181775.4); c.1371+4331A>C (NM_001393897.1, NM_001105543.2); short protein forms E475A.
Identifiers: ClinVar variation 3038140 (VCV003038140.2), dbSNP rs17852615, ClinGen allele CA4490262.

ClinVar aggregate classification (germline): Benign (0 of 4 stars; one submission).

Conditions:
PLXNA4-related disorder. Also called: PLXNA4-related condition.

Allele frequency attached by ClinVar (database versions not stated): ESP Exome Variant Server 0.02676; 1000 Genomes Project 0.02915; 1000 Genomes Project 30x 0.03061.
gnomAD v4.1: 19,392 of 1,614,112 alleles (1.2%); highest among the groups gnomAD compares: African/African-American, 7%; 292 homozygotes.

Submission:

PreventionGenetics, part of Exact Sciences
Classification: Benign for PLXNA4-related condition. Last evaluated: 2023-01-06. Review status: no assertion criteria provided. Collection method: clinical testing. Allele origin: germline.
Comment: This variant is classified as benign based on ACMG/AMP sequence variant interpretation guidelines (Richards et al. 2015 PMID: 25741868, with internal and published modifications).